The following is an entry in ClinVar:

NM_024422.6(DSC2):c.2478G>A (p.Trp826Ter)

Gene: DSC2 (desmocollin 2; minus strand). Cytogenetic location: 18q12.1.
Variant type: single nucleotide variant.
Coding change: c.2478G>A on transcript NM_024422.6 (MANE Select); coding-DNA position 2478, G replaced by A.
Protein change: p.Trp826Ter; replaces tryptophan 826 with a stop codon.
Molecular consequence: nonsense.
Genome position (GRCh38, 1-based): chr18:31,068,924, C>T on the plus strand (G>A on the coding strand, the complement: DSC2 is on the minus strand). VCF-style: chr18-31068924-C-T. GRCh37 (hg19) VCF-style: chr18-28648890-C-T.
Other names: c.2049G>A, p.Trp683Ter (NM_001406506.1, NM_001406507.1); c.2478G>A, p.Trp826Ter (NM_004949.5); short protein forms W683*, W826*.
Identifiers: ClinVar variation 3072832 (VCV003072832.2), dbSNP rs2510937672, ClinGen allele CA402111188.

ClinVar aggregate classification (germline): Uncertain significance. Review status: criteria provided, multiple submitters, no conflicts (2 of 4 stars). 2 submissions from 2 submitters: Uncertain significance (2). Last evaluated 2025-09-15.

Conditions:
Familial isolated arrhythmogenic right ventricular dysplasia. Identifiers: Orphanet 217656, MedGen C4274968, MONDO:0016342.
Arrhythmogenic right ventricular dysplasia 11. Also called: ARRHYTHMOGENIC RIGHT VENTRICULAR DYSPLASIA, FAMILIAL, 11; Arrhythmogenic Right Ventricular Dysplasia/Cardiomyopathy11; Arrhythmogenic right ventricular dysplasia 11 with mild palmoplantar keratoderma and woolly hair. Identifiers: MedGen C1864850, MONDO:0012506, OMIM 610476.

Submissions (2):

Labcorp Genetics (formerly Invitae), Labcorp
Classification: Uncertain significance for Arrhythmogenic right ventricular dysplasia 11. Last evaluated: 2025-09-15. Review status: criteria provided, single submitter. Criteria: Invitae Variant Classification Sherloc (09022015). Collection method: clinical testing. Allele origin: germline.
Comment: This sequence change creates a premature translational stop signal (p.Trp826*) in the DSC2 gene. While this is not anticipated to result in nonsense mediated decay, it is expected to disrupt the last 76 amino acid(s) of the DSC2 protein. This variant is not present in population databases (gnomAD no frequency). This variant has not been reported in the literature in individuals affected with DSC2-related conditions. ClinVar contains an entry for this variant (Variation ID: 3072832). This variant disrupts the C-terminus of the DSC2 protein. Other variant(s) that disrupt this region (p.Gly863Lysfs*13) have been observed in individuals with DSC2-related conditions (PMID: 25820315). This suggests that this may be a clinically significant region of the protein. In summary, the available evidence is currently insufficient to determine the role of this variant in disease. Therefore, it has been classified as a Variant of Uncertain Significance.

All of Us Research Program, National Institutes of Health
Classification: Uncertain significance for Familial isolated arrhythmogenic right ventricular dysplasia. Last evaluated: 2023-08-15. Review status: criteria provided, single submitter. Criteria: ACMG Guidelines, 2015. Collection method: clinical testing. Allele origin: germline. Inheritance: Autosomal dominant inheritance. Observed: 1 variant allele, 1 heterozygote.
Comment: This study involves interpretation of variants in research participants for the purpose of population health screening. Participant phenotype was not available at the time of variant classification. Additional details can be found in publication PMID: 35346344, PMCID: PMC8962531

Literature cited by the submitters: PubMed 25820315 (cited by Labcorp Genetics (formerly Invitae), Labcorp).